The following is an entry in ClinVar:

ClinVar aggregate classification (germline): Uncertain significance (1 of 4 stars; one submission).

Conditions:
Leukocyte adhesion deficiency type II. Also called: CDG IIc; CONGENITAL DISORDER OF GLYCOSYLATION, TYPE IIc; Congenital disorder of glycosylation type 2C; CDG 2C; Leukocyte adhesion deficiency type 2; Rambam Hasharon syndrome. Identifiers: Orphanet 2968, Orphanet 99843, MedGen C0398739, MONDO:0009953, OMIM 266265.

Allele frequency attached by ClinVar (database versions not stated): gnomAD exomes 0.00001.
gnomAD v4.1: 4 of 1,521,152 alleles (0.00026%); highest among the groups gnomAD compares: Non-Finnish European, 0.000087%; no homozygotes.

Submission:

Labcorp Genetics (formerly Invitae), Labcorp
Classification: Uncertain significance for Leukocyte adhesion deficiency type II. Last evaluated: 2022-06-20. Review status: criteria provided, single submitter. Criteria: Invitae Variant Classification Sherloc (09022015). Collection method: clinical testing. Allele origin: germline.
Comment: This sequence change replaces methionine, which is neutral and non-polar, with threonine, which is neutral and polar, at codon 362 of the SLC35C1 protein (p.Met362Thr). In summary, the available evidence is currently insufficient to determine the role of this variant in disease. Therefore, it has been classified as a Variant of Uncertain Significance. Algorithms developed to predict the effect of missense changes on protein structure and function (SIFT, PolyPhen-2, Align-GVGD) all suggest that this variant is likely to be tolerated. This variant has not been reported in the literature in individuals affected with SLC35C1-related conditions. This variant is not present in population databases (gnomAD no frequency).

NM_018389.5(SLC35C1):c.1085T>C (p.Met362Thr)

Gene: SLC35C1 (solute carrier family 35 member C1; plus strand). Cytogenetic location: 11p11.2.
Variant type: single nucleotide variant.
Coding change: c.1085T>C on transcript NM_018389.5 (MANE Select); coding-DNA position 1085, T replaced by C.
Protein change: p.Met362Thr; replaces methionine 362 with threonine.
Molecular consequence: missense variant.
Genome position (GRCh38, 1-based): chr11:45,811,325, T>C. VCF-style: chr11-45811325-T-C. GRCh37 (hg19) VCF-style: chr11-45832876-T-C.
Other names: c.1046T>C, p.Met349Thr (NM_001145265.2, NM_001145266.2); short protein forms M362T, M349T.
Identifiers: ClinVar variation 1492001 (VCV001492001.8), dbSNP rs2134598996, ClinGen allele CA380207578.
Genomic context (GRCh38, chr11:45,811,325, plus strand): 5'-GCTGGGAGATGAAGAAGACTCCGGAGGAGCCCAGCCCCAAAGACAGCGAGAAGAGCGCCA[T>C]GGGGGTGTGAGCACCACAGGCACCCTGGATGGCCCGGCCCCGGGGCCCGTACACAGGCGG-3'
Protein context (NP_060859.4, residues 352-364): PSPKDSEKSA[Met362Thr]GV